The following is an entry in ClinVar:

NM_001267550.2(TTN):c.23608dup (p.Ile7870fs)

Gene: TTN (titin; minus strand). Cytogenetic location: 2q31.2.
Variant type: Duplication.
Coding change: c.23608dup on transcript NM_001267550.2 (MANE Select); coding-DNA position 23608, one base duplicated (A; older notation c.23608dupA).
Protein change: p.Ile7870fs; shifts the reading frame from isoleucine 7870.
Molecular consequence: frameshift variant. On other transcripts: intron variant (3).
Genome position (GRCh38, 1-based): chr2:178,720,034, T duplicated on the plus strand (A on the coding strand, the reverse complement: TTN is on the minus strand); the first of 3 consecutive T bases (chr2:178,720,034-178,720,036); duplicating any one gives the same sequence. VCF-style (leftmost placement, unchanged base first): chr2-178720033-A-AT. GRCh37 (hg19) VCF-style: chr2-179584760-A-AT.
Other names: c.22657dup, p.Ile7553fs (NM_001256850.1); c.19876dup, p.Ile6626fs (NM_133378.4); c.13282+18048dup (NM_003319.4); c.13858+18048dup (NM_133437.4); c.13657+18048dup (NM_133432.3); short protein forms I7870fs, I6626fs, I7553fs.
Identifiers: ClinVar variation 1357555 (VCV001357555.8), dbSNP rs2154300414, ClinGen allele CA2573133891.

ClinVar aggregate classification (germline): Likely pathogenic (1 of 4 stars; one submission).

Conditions:
Dilated cardiomyopathy 1G (CMD1G). Identifiers: Orphanet 154, MedGen C1858763, MONDO:0011400, OMIM 604145.
Autosomal recessive limb-girdle muscular dystrophy type 2J (LGMDR10). Also called: Limb-girdle muscular dystrophy, type 2J; MUSCULAR DYSTROPHY, LIMB-GIRDLE, AUTOSOMAL RECESSIVE 10. Identifiers: Orphanet 140922, MedGen C1837342, MONDO:0012127, OMIM 608807.

Submission:

Labcorp Genetics (formerly Invitae), Labcorp
Classification: Likely pathogenic for Dilated cardiomyopathy 1G; Autosomal recessive limb-girdle muscular dystrophy type 2J. Last evaluated: 2024-10-18. Review status: criteria provided, single submitter. Criteria: Invitae Variant Classification Sherloc (09022015). Collection method: clinical testing. Allele origin: germline.
Comment: This sequence change creates a premature translational stop signal (p.Ile7870Asnfs*73) in the TTN gene. While this is not anticipated to result in nonsense mediated decay, it is expected to create a truncated TTN protein. This variant is not present in population databases (gnomAD no frequency). This variant has not been reported in the literature in individuals affected with TTN-related conditions. ClinVar contains an entry for this variant (Variation ID: 1357555). This variant is located in the I band of TTN (PMID: 25589632). Truncating variants in this region have been reported in individuals affected with autosomal recessive centronuclear myopathy (PMID: 23975875, internal data). Truncating variants in this region have also been identified in individuals affected with autosomal dominant dilated cardiomyopathy and/or cardio-related conditions (PMID: 27869827, 32964742, internal data). In summary, the currently available evidence indicates that the variant is pathogenic, but additional data are needed to prove that conclusively. Therefore, this variant has been classified as Likely Pathogenic.

Literature cited by the submitters: PubMed 25589632; PubMed 23975875; PubMed 27869827; PubMed 32964742.